The following is an entry in ClinVar:

ClinVar aggregate classification (germline): Uncertain significance (1 of 4 stars; one submission).

Conditions:
Ehlers-Danlos syndrome, classic type, 1 (EDSCL1). Also called: EDS I; EHLERS-DANLOS SYNDROME, GRAVIS TYPE; EHLERS-DANLOS SYNDROME, SEVERE CLASSIC TYPE; Ehlers-Danlos syndrome, type 1; Ehlers-Danlos Syndrome, Classic Type, COL5A1-Related. Identifiers: MedGen C0268335, MONDO:0019567, OMIM 130000.

Submission:

Labcorp Genetics (formerly Invitae), Labcorp
Classification: Uncertain significance for Ehlers-Danlos syndrome, classic type, 1. Last evaluated: 2023-11-27. Review status: criteria provided, single submitter. Criteria: Invitae Variant Classification Sherloc (09022015). Collection method: clinical testing. Allele origin: germline.
Comment: This sequence change replaces glutamine, which is neutral and polar, with glutamic acid, which is acidic and polar, at codon 1099 of the COL5A2 protein (p.Gln1099Glu). This variant is not present in population databases (gnomAD no frequency). This variant has not been reported in the literature in individuals affected with COL5A2-related conditions. Advanced modeling of protein sequence and biophysical properties (such as structural, functional, and spatial information, amino acid conservation, physicochemical variation, residue mobility, and thermodynamic stability) performed at Invitae indicates that this missense variant is not expected to disrupt COL5A2 protein function with a negative predictive value of 80%. In summary, the available evidence is currently insufficient to determine the role of this variant in disease. Therefore, it has been classified as a Variant of Uncertain Significance.

NM_000393.5(COL5A2):c.3295C>G (p.Gln1099Glu)

Gene: COL5A2 (collagen type V alpha 2 chain; minus strand). Cytogenetic location: 2q32.2.
Variant type: single nucleotide variant.
Coding change: c.3295C>G on transcript NM_000393.5 (MANE Select); coding-DNA position 3295, C replaced by G.
Protein change: p.Gln1099Glu; replaces glutamine 1099 with glutamic acid.
Molecular consequence: missense variant.
Genome position (GRCh38, 1-based): chr2:189,045,814, G>C on the plus strand (C>G on the coding strand, the complement: COL5A2 is on the minus strand). VCF-style: chr2-189045814-G-C. GRCh37 (hg19) VCF-style: chr2-189910540-G-C.
Other names: short protein forms Q1099E.
Identifiers: ClinVar variation 2908505 (VCV002908505.3), dbSNP rs2469239639, ClinGen allele CA349862486.